The following is an entry in ClinVar:

NM_000152.5(GAA):c.767A>G (p.Tyr256Cys)

Gene: GAA (alpha glucosidase; plus strand). Cytogenetic location: 17q25.3.
Variant type: single nucleotide variant.
Coding change: c.767A>G on transcript NM_000152.5 (MANE Select); coding-DNA position 767, A replaced by G.
Protein change: p.Tyr256Cys; replaces tyrosine 256 with cysteine.
Molecular consequence: missense variant.
Genome position (GRCh38, 1-based): chr17:80,107,631, A>G. VCF-style: chr17-80107631-A-G. GRCh37 (hg19) VCF-style: chr17-78081430-A-G.
Other names: p.Tyr256Cys; c.767A>G, p.Tyr256Cys (NM_001079803.3, NM_001079804.3); short protein forms Y256C.
Identifiers: ClinVar variation 960212 (VCV000960212.14), dbSNP rs200509552, ClinGen allele CA8815011.
Genomic context (GRCh38, chr17:80,107,631, plus strand): 5'-TGGCGCCCCTGTTCTTTGCGGACCAGTTCCTTCAGCTGTCCACCTCGCTGCCCTCGCAGT[A>G]TATCACAGGCCTCGCCGAGCACCTCAGTCCCCTGATGCTCAGCACCAGCTGGACCAGGAT-3'
Protein context (NP_000143.2, residues 246-266): LQLSTSLPSQ[Tyr256Cys]ITGLAEHLSP

ClinVar aggregate classification (germline): Uncertain significance. Review status: criteria provided, multiple submitters, no conflicts (2 of 4 stars). 5 submissions from 5 submitters: Uncertain significance (4). 1 of the submissions does not count toward it. Last evaluated 2026-03-06.

Conditions:
Cardiovascular phenotype. Identifiers: MedGen CN230736.
Glycogen storage disease, type II (IOPD). Also called: GLYCOGENOSIS, GENERALIZED, CARDIAC FORM; GSD II; POMPE DISEASE, INFANTILE-ONSET; GLYCOGEN STORAGE DISEASE II, INFANTILE-ONSET; ACID ALPHA-GLUCOSIDASE DEFICIENCY, INFANTILE-ONSET; Pompe Disease. Identifiers: Orphanet 365, MedGen C0017921, MONDO:0009290, OMIM 232300.

Allele frequency attached by ClinVar (database versions not stated): ExAC 0.00001; gnomAD exomes 0.00001; gnomAD 0.00003; TOPMed 0.00004; 1000 Genomes Project 30x 0.00016; 1000 Genomes Project 0.00020.

Submissions (5):

Myriad Genetics, Inc.
Classification: Uncertain significance for Glycogen storage disease, type II. Last evaluated: 2026-03-06. Review status: criteria provided, single submitter. Criteria: Myriad Autosomal Dominant, Autosomal Recessive and X-Linked Classification Criteria (2023). Collection method: clinical testing. Allele origin: unknown.
Comment: NM_000152.3(GAA):c.767A>G(Y256C) is a missense variant classified as a variant of uncertain significance in the context of Pompe disease. Y256C has not been observed in cases with relevant disease. Relevant functional assessments of this variant are not available in the literature. Y256C has been observed in referenced population frequency databases. In summary, there is insufficient evidence to classify NM_000152.3(GAA):c.767A>G(Y256C) as pathogenic or benign. Please note: this variant was assessed in the context of healthy population screening.

Ambry Genetics
Classification: Uncertain significance for Cardiovascular phenotype. Last evaluated: 2025-11-11. Review status: criteria provided, single submitter. Criteria: Ambry Variant Classification Scheme 2023. Collection method: clinical testing. Allele origin: germline.

Mayo Clinic Laboratories, Mayo Clinic
Classification: Uncertain significance. Last evaluated: 2024-07-24. Review status: criteria provided, single submitter. Criteria: ACMG Guidelines, 2015. Collection method: clinical testing. Allele origin: germline. Observed: 1 variant allele.
Comment: PM2

Labcorp Genetics (formerly Invitae), Labcorp
Classification: Uncertain significance for Glycogen storage disease, type II. Last evaluated: 2022-07-19. Review status: criteria provided, single submitter. Criteria: Invitae Variant Classification Sherloc (09022015). Collection method: clinical testing. Allele origin: germline.
Comment: This sequence change replaces tyrosine, which is neutral and polar, with cysteine, which is neutral and slightly polar, at codon 256 of the GAA protein (p.Tyr256Cys). This variant is present in population databases (rs200509552, gnomAD 0.007%). This variant has not been reported in the literature in individuals affected with GAA-related conditions. ClinVar contains an entry for this variant (Variation ID: 960212). Advanced modeling of protein sequence and biophysical properties (such as structural, functional, and spatial information, amino acid conservation, physicochemical variation, residue mobility, and thermodynamic stability) performed at Invitae indicates that this missense variant is not expected to disrupt GAA protein function. In summary, the available evidence is currently insufficient to determine the role of this variant in disease. Therefore, it has been classified as a Variant of Uncertain Significance.

Natera, Inc.
Classification: Uncertain significance for Glycogen storage disease type II. Last evaluated: 2020-09-23. Review status: no assertion criteria provided. Collection method: clinical testing. Allele origin: germline. Not counted in ClinVar's aggregate classification.